The following is an entry in ClinVar:

ClinVar aggregate classification (germline): Uncertain significance (1 of 4 stars; one submission).

Conditions:
Pitt-Hopkins-like syndrome 2 (PTHSL2). Identifiers: Orphanet 221150, Orphanet 600663, MedGen C3280479, MONDO:0013690, OMIM 614325.

Submission:

Labcorp Genetics (formerly Invitae), Labcorp
Classification: Uncertain significance for Pitt-Hopkins-like syndrome 2. Last evaluated: 2018-12-27. Review status: criteria provided, single submitter. Criteria: Invitae Variant Classification Sherloc (09022015). Collection method: clinical testing. Allele origin: germline.
Comment: This variant is an in-frame deletion of the genomic region encompassing exons 7-18 of the NRXN1 gene. It preserves the integrity of the reading frame. A similar deletion of exons 7-18 has been reported to be de novo in an individual affected with autism spectrum disorder (PMID: 26325558). Experimental studies and prediction algorithms are not available for this variant, and the functional significance of the deleted amino acids is currently unknown. In summary, the available evidence is currently insufficient to determine the role of this variant in disease. Therefore, it has been classified as a Variant of Uncertain Significance.

Literature cited by the submitters: PubMed 26325558.

NC_000002.12:g.(?_50346671)_(50623635_?)del

Genes: NRXN1 (neurexin 1; minus strand), LOC110121071 (VISTA enhancer hs1348; plus strand), LOC129388861 (MPRA-validated peak3699 silencer; plus strand). Cytogenetic location: 2p16.3.
Variant type: Deletion.
Identifiers: ClinVar variation 657385 (VCV000657385.1).